The following is an entry in ClinVar:

NM_001042492.3(NF1):c.479+208C>T

Gene: NF1 (neurofibromin 1; plus strand). Cytogenetic location: 17q11.2.
Variant type: single nucleotide variant.
Coding change: c.479+208C>T on transcript NM_001042492.3 (MANE Select); 208 bases into the intron after coding-DNA position 479, C replaced by T.
Molecular consequence: intron variant.
Genome position (GRCh38, 1-based): chr17:31,163,584, C>T. VCF-style: chr17-31163584-C-T. GRCh37 (hg19) VCF-style: chr17-29490602-C-T.
Other names: c.479+208C>T (NM_000267.4, NM_001128147.3).
Identifiers: ClinVar variation 561467 (VCV000561467.1), dbSNP rs7208054, ClinGen allele CA289325085.

ClinVar aggregate classification (germline): Benign (1 of 4 stars; one submission).

Allele frequency attached by ClinVar (database versions not stated): gnomAD 0.05951 and 0.05576; TOPMed 0.06301; 1000 Genomes Project 0.06729; 1000 Genomes Project 30x 0.07121.
gnomAD v4.1: 8,394 of 152,074 alleles (5.5%); highest among the groups gnomAD compares: African/African-American, 19%; 742 homozygotes.

Submission:

GeneDx
Classification: Benign. Last evaluated: 2018-06-17. Review status: criteria provided, single submitter. Criteria: GeneDx Variant Classification (06012015). Collection method: clinical testing. Allele origin: germline. Affected: yes.
Comment: This variant is considered likely benign or benign based on one or more of the following criteria: it is a conservative change, it occurs at a poorly conserved position in the protein, it is predicted to be benign by multiple in silico algorithms, and/or has population frequency not consistent with disease.